The following is an entry in ClinVar:

ClinVar aggregate classification (germline): Likely benign (1 of 4 stars; one submission).

Submission:

CeGaT Center for Human Genetics Tuebingen
Classification: Likely benign. Last evaluated: 2024-08-01. Review status: criteria provided, single submitter. Criteria: CeGaT Center For Human Genetics Tuebingen Variant Classification Criteria Version 2. Collection method: clinical testing. Allele origin: germline. Affected: yes. Observed: 1 variant allele.
Comment: ITGB8: BP4, BS2

NM_002214.3(ITGB8):c.2024-6T>C

Gene: ITGB8 (integrin subunit beta 8; plus strand). Cytogenetic location: 7p21.1.
Variant type: single nucleotide variant.
Coding change: c.2024-6T>C on transcript NM_002214.3 (MANE Select); 6 bases into the intron before coding-DNA position 2024, T replaced by C.
Molecular consequence: intron variant.
Genome position (GRCh38, 1-based): chr7:20,409,609, T>C. VCF-style: chr7-20409609-T-C. GRCh37 (hg19) VCF-style: chr7-20449232-T-C.
Identifiers: ClinVar variation 3341582 (VCV003341582.16).